The following is an entry in ClinVar:

ClinVar aggregate classification (germline): Likely benign (1 of 4 stars; one submission).

Allele frequency attached by ClinVar (database versions not stated): gnomAD exomes below 0.00001 and 0.00001.
gnomAD v4.1: 5 of 1,614,054 alleles (0.00031%); highest among the groups gnomAD compares: South Asian, 0.0055%; no homozygotes.

Submission:

GeneDx
Classification: Likely benign. Last evaluated: 2018-01-02. Review status: criteria provided, single submitter. Criteria: GeneDx Variant Classification (06012015). Collection method: clinical testing. Allele origin: germline. Affected: yes.
Comment: This variant is considered likely benign or benign based on one or more of the following criteria: it is a conservative change, it occurs at a poorly conserved position in the protein, it is predicted to be benign by multiple in silico algorithms, and/or has population frequency not consistent with disease.

NM_182961.4(SYNE1):c.15966G>T (p.Leu5322=)

Gene: SYNE1 (spectrin repeat containing nuclear envelope protein 1; minus strand). Cytogenetic location: 6q25.2.
Variant type: single nucleotide variant.
Coding change: c.15966G>T on transcript NM_182961.4 (MANE Select); coding-DNA position 15966, G replaced by T.
Protein change: p.Leu5322=; no amino-acid change (leucine 5322 retained).
Molecular consequence: synonymous variant.
Genome position (GRCh38, 1-based): chr6:152,321,838, C>A on the plus strand (G>T on the coding strand, the complement: SYNE1 is on the minus strand). VCF-style: chr6-152321838-C-A. GRCh37 (hg19) VCF-style: chr6-152642973-C-A.
Other names: c.15753G>T, p.Leu5251= (NM_033071.5).
Identifiers: ClinVar variation 514363 (VCV000514363.1), dbSNP rs1207054877, ClinGen allele CA452762161.